The following is an entry in ClinVar:

ClinVar aggregate classification (germline): Uncertain significance. Review status: criteria provided, multiple submitters, no conflicts (2 of 4 stars). 2 submissions from 2 submitters: Uncertain significance (2). Last evaluated 2025-11-26.

Conditions:
Inborn genetic diseases. Identifiers: MedGen C0950123, MeSH D030342.

Allele frequency attached by ClinVar (database versions not stated): TOPMed below 0.00001; ExAC 0.00001; gnomAD exomes 0.00001.
gnomAD v4.1: 11 of 1,612,560 alleles (0.00068%); highest among the groups gnomAD compares: South Asian, 0.0011%; no homozygotes.

Submissions (2):

Ambry Genetics
Classification: Uncertain significance for Inborn genetic diseases. Last evaluated: 2025-11-26. Review status: criteria provided, single submitter. Criteria: Ambry Variant Classification Scheme 2023. Collection method: clinical testing. Allele origin: germline.

Labcorp Genetics (formerly Invitae), Labcorp
Classification: Uncertain significance. Last evaluated: 2023-04-24. Review status: criteria provided, single submitter. Criteria: Invitae Variant Classification Sherloc (09022015). Collection method: clinical testing. Allele origin: germline.
Comment: This variant is present in population databases (rs755868094, gnomAD 0.003%). In summary, the available evidence is currently insufficient to determine the role of this variant in disease. Therefore, it has been classified as a Variant of Uncertain Significance. Experimental studies and prediction algorithms are not available or were not evaluated, and the functional significance of this variant is currently unknown. This variant has not been reported in the literature in individuals affected with COL2A1-related conditions. This sequence change replaces methionine, which is neutral and non-polar, with valine, which is neutral and non-polar, at codon 323 of the COL2A1 protein (p.Met323Val).

NM_001844.5(COL2A1):c.967A>G (p.Met323Val)

Gene: COL2A1 (collagen type II alpha 1 chain; minus strand). Cytogenetic location: 12q13.11.
Variant type: single nucleotide variant.
Coding change: c.967A>G on transcript NM_001844.5 (MANE Select); coding-DNA position 967, A replaced by G.
Protein change: p.Met323Val; replaces methionine 323 with valine.
Molecular consequence: missense variant.
Genome position (GRCh38, 1-based): chr12:47,993,460, T>C on the plus strand (A>G on the coding strand, the complement: COL2A1 is on the minus strand). VCF-style: chr12-47993460-T-C. GRCh37 (hg19) VCF-style: chr12-48387243-T-C.
Other names: c.760A>G, p.Met254Val (NM_033150.3); c.967A>G (NM_001844.4); short protein forms M323V, M254V.
Identifiers: ClinVar variation 2912934 (VCV002912934.4), dbSNP rs755868094, ClinGen allele CA6535692.